The following is an entry in ClinVar:

NM_000232.5(SGCB):c.727A>G (p.Met243Val)

Gene: SGCB (sarcoglycan beta; minus strand). Cytogenetic location: 4q12.
Variant type: single nucleotide variant.
Coding change: c.727A>G on transcript NM_000232.5 (MANE Select); coding-DNA position 727, A replaced by G.
Protein change: p.Met243Val; replaces methionine 243 with valine.
Molecular consequence: missense variant.
Genome position (GRCh38, 1-based): chr4:52,027,994, T>C on the plus strand (A>G on the coding strand, the complement: SGCB is on the minus strand). VCF-style: chr4-52027994-T-C. GRCh37 (hg19) VCF-style: chr4-52894160-T-C.
Other names: short protein forms M243V.
Identifiers: ClinVar variation 2157860 (VCV002157860.1), dbSNP rs540011509, ClinGen allele CA2918310.
Genomic context (GRCh38, chr4:52,027,994, plus strand): 5'-AATAATTCTCTTAAGCTCTTAAAAGAATACTCACCGCCTTTAACTCCATATTACCACCCA[T>C]GTGAAATTCAATGGTTTTGCCCATAATGAATACACCTTCATTTCCACGCACAATAGCACG-3'
Protein context (NP_000223.1, residues 233-253): FIMGKTIEFH[Met243Val]GGNMELKAEN

ClinVar aggregate classification (germline): Uncertain significance (1 of 4 stars; one submission).

Conditions:
Autosomal recessive limb-girdle muscular dystrophy type 2E (LGMDR4). Also called: MUSCULAR DYSTROPHY, LIMB-GIRDLE, AUTOSOMAL RECESSIVE 4. Identifiers: Orphanet 119, MedGen C1858593, MONDO:0011423, OMIM 604286. Disease mechanism: Affects gamma-sarcoglycan and also disrupts the integrity of the entire sarcoglycan complex..

Allele frequency attached by ClinVar (database versions not stated): gnomAD 0.00001; TOPMed 0.00001; ExAC 0.00002; 1000 Genomes Project 30x 0.00016; 1000 Genomes Project 0.00020.
gnomAD v4.1: 27 of 1,613,928 alleles (0.0017%); highest among the groups gnomAD compares: South Asian, 0.019%; no homozygotes.

Submission:

Labcorp Genetics (formerly Invitae), Labcorp
Classification: Uncertain significance for Autosomal recessive limb-girdle muscular dystrophy type 2E. Last evaluated: 2022-07-06. Review status: criteria provided, single submitter. Criteria: Invitae Variant Classification Sherloc (09022015). Collection method: clinical testing. Allele origin: germline.
Comment: This sequence change replaces methionine, which is neutral and non-polar, with valine, which is neutral and non-polar, at codon 243 of the SGCB protein (p.Met243Val). This variant is present in population databases (rs540011509, gnomAD 0.03%). This variant has not been reported in the literature in individuals affected with SGCB-related conditions. Algorithms developed to predict the effect of missense changes on protein structure and function output the following: SIFT: "Tolerated"; PolyPhen-2: "Benign"; Align-GVGD: "Class C0". The valine amino acid residue is found in multiple mammalian species, which suggests that this missense change does not adversely affect protein function. Algorithms developed to predict the effect of sequence changes on RNA splicing suggest that this variant may create or strengthen a splice site. In summary, the available evidence is currently insufficient to determine the role of this variant in disease. Therefore, it has been classified as a Variant of Uncertain Significance.